The following is an entry in ClinVar:

ClinVar aggregate classification (germline): Pathogenic. Review status: criteria provided, multiple submitters, no conflicts (2 of 4 stars). 10 submissions from 10 submitters: Pathogenic (9). 1 of the submissions does not count toward it. Last evaluated 2025-09-09.

Conditions:
CYP7B1-related disorder. Also called: CYP7B1-related condition.
Spastic paraplegia. Identifiers: MedGen C0037772, HP:0001258.
Hereditary spastic paraplegia. Also called: Familial spastic paraparesis. Identifiers: Orphanet 685, MedGen C0037773, MONDO:0019064. Disease mechanism: loss of function.
Hereditary spastic paraplegia 5A (SPG5A). Also called: SPASTIC PARAPLEGIA 5A, AUTOSOMAL RECESSIVE. Identifiers: Orphanet 100986, MedGen C1849115, MONDO:0010047, OMIM 270800.

Allele frequency attached by ClinVar (database versions not stated): TOPMed 0.00002; ExAC 0.00003; gnomAD 0.00003; gnomAD exomes 0.00003.
gnomAD v4.1: 40 of 1,613,262 alleles (0.0025%); highest among the groups gnomAD compares: Non-Finnish European, 0.0032%; no homozygotes.

Submissions (10):

PreventionGenetics, part of Exact Sciences
Classification: Pathogenic for CYP7B1-related condition. Last evaluated: 2025-09-09. Review status: criteria provided, single submitter. Criteria: ACMG Guidelines, 2015. Collection method: clinical testing. Allele origin: germline.
Comment: The CYP7B1 c.889A>G variant is predicted to result in the amino acid substitution p.Thr297Ala. This variant has been reported in individuals with spastic paraplegia (Goizet et al. 2009. PubMed ID: 19439420; Di Fabio et al. 2014. PubMed ID: 24519355; Ngo et al 2019. PubMed ID: 31692161). Computing modeling studies suggest that this variant has a direct effect on ligand binding (Siam. 2012. PubMed ID: 21541746). This variant is reported in 0.0054% of alleles in individuals of European (Non-Finnish) descent in gnomAD. This variant is interpreted as pathogenic.

Labcorp Genetics (formerly Invitae), Labcorp
Classification: Pathogenic for Spastic paraplegia. Last evaluated: 2025-05-27. Review status: criteria provided, single submitter. Criteria: Invitae Variant Classification Sherloc (09022015). Collection method: clinical testing. Allele origin: germline.
Comment: This sequence change replaces threonine, which is neutral and polar, with alanine, which is neutral and non-polar, at codon 297 of the CYP7B1 protein (p.Thr297Ala). This variant is present in population databases (rs587777222, gnomAD 0.006%). This missense change has been observed in individuals with hereditary spastic paraplegia (HSP) (PMID: 19439420, 21214876, 24519355). It has also been observed to segregate with disease in related individuals. ClinVar contains an entry for this variant (Variation ID: 120179). An algorithm developed specifically for the CYP7B1 gene suggests that this missense change is likely to be deleterious (PMID: 21541746). For these reasons, this variant has been classified as Pathogenic.

Women's Health and Genetics/Laboratory Corporation of America, LabCorp
Classification: Pathogenic for Hereditary spastic paraplegia. Last evaluated: 2024-09-10. Review status: criteria provided, single submitter. Criteria: LabCorp Variant Classification Summary - May 2015. Collection method: clinical testing. Allele origin: germline.
Comment: Variant summary: CYP7B1 c.889A>G (p.Thr297Ala) results in a non-conservative amino acid change in the encoded protein sequence. Five of five in-silico tools predict a damaging effect of the variant on protein function. The variant allele was found at a frequency of 2.8e-05 in 250902 control chromosomes. c.889A>G has been reported in the literature in multiple homozygous individuals affected with Hereditary Spastic Paraplegia, Type 5a (Di Fabio_2014, Benkirane_2021). These data indicate that the variant is very likely to be associated with disease. To our knowledge, no experimental evidence demonstrating an impact on protein function has been reported. The following publications have been ascertained in the context of this evaluation (PMID: 34234304, 24519355, 19439420, 34983064, 31692161). ClinVar contains an entry for this variant (Variation ID: 120179). Based on the evidence outlined above, the variant was classified as pathogenic.

Blueprint Genetics
Classification: Pathogenic for CYP7B1-related disorders. Last evaluated: 2024-03-18. Review status: criteria provided, single submitter. Criteria: ACMG Guidelines, 2015. Collection method: clinical testing. Allele origin: germline. Affected: yes. Observed: 5 variant alleles.

Institute of Medical Genetics and Applied Genomics, University Hospital Tübingen
Classification: Pathogenic for Hereditary spastic paraplegia 5A. Last evaluated: 2023-11-14. Review status: criteria provided, single submitter. Criteria: ACMG Guidelines, 2015. Collection method: clinical testing. Allele origin: germline. Inheritance: Autosomal recessive inheritance. Affected: yes.

GeneDx
Classification: Pathogenic. Last evaluated: 2023-05-17. Review status: criteria provided, single submitter. Criteria: GeneDx Variant Classification Process June 2021. Collection method: clinical testing. Allele origin: germline. Affected: yes.
Comment: Not observed at significant frequency in large population cohorts (gnomAD); In silico analysis supports that this missense variant has a deleterious effect on protein structure/function; This variant is associated with the following publications: (PMID: 21214876, 19439420, 24519355, 19687010, 29246610, 31692161, 21541746, 25073475, 23180418, 22384504, 29246618, 29228183, 29126212, 34426522, 31589614)

CeGaT Center for Human Genetics Tuebingen
Classification: Pathogenic. Last evaluated: 2021-03-01. Review status: criteria provided, single submitter. Criteria: CeGaT Center For Human Genetics Tuebingen Variant Classification Criteria Version 2. Collection method: clinical testing. Allele origin: germline. Affected: yes. Observed: 1 variant allele.

Institute of Human Genetics, University of Leipzig Medical Center
Classification: Pathogenic for Hereditary spastic paraplegia 5A. Last evaluated: 2019-01-01. Review status: criteria provided, single submitter. Criteria: ACMG Guidelines, 2015. Collection method: clinical testing. Allele origin: germline. Affected: yes. Observed: 1 variant allele.

Paris Brain Institute, Inserm - ICM
Classification: Pathogenic for Hereditary spastic paraplegia 5A. Review status: criteria provided, single submitter. Criteria: ACMG Guidelines, 2015. Collection method: clinical testing. Allele origin: unknown. Affected: yes. Observed: 3 variant alleles.

OMIM
Classification: Pathogenic for SPASTIC PARAPLEGIA 5A, AUTOSOMAL RECESSIVE. Last evaluated: 2012-02-01. Review status: no assertion criteria provided. Collection method: literature only. Allele origin: germline. Not counted in ClinVar's aggregate classification.

Literature cited by the submitters: PubMed 19439420 (cited by 3 submitters); PubMed 21214876 (cited by Labcorp Genetics (formerly Invitae), Labcorp and OMIM); PubMed 24519355 (cited by Labcorp Genetics (formerly Invitae), Labcorp and Women's Health and Genetics/Laboratory Corporation of America, LabCorp); PubMed 21541746 (cited by Labcorp Genetics (formerly Invitae), Labcorp); PubMed 31692161 (cited by Women's Health and Genetics/Laboratory Corporation of America, LabCorp); PubMed 34234304 (cited by Women's Health and Genetics/Laboratory Corporation of America, LabCorp); PubMed 34983064 (cited by Women's Health and Genetics/Laboratory Corporation of America, LabCorp).

NM_004820.5(CYP7B1):c.889A>G (p.Thr297Ala)

Gene: CYP7B1 (cytochrome P450 family 7 subfamily B member 1; minus strand). Cytogenetic location: 8q12.3.
Variant type: single nucleotide variant.
Coding change: c.889A>G on transcript NM_004820.5 (MANE Select); coding-DNA position 889, A replaced by G.
Protein change: p.Thr297Ala; replaces threonine 297 with alanine.
Molecular consequence: missense variant.
Genome position (GRCh38, 1-based): chr8:64,615,194, T>C on the plus strand (A>G on the coding strand, the complement: CYP7B1 is on the minus strand). VCF-style: chr8-64615194-T-C. GRCh37 (hg19) VCF-style: chr8-65527751-T-C.
Other names: c.889A>G, p.Thr297Ala (NM_001324112.2); short protein forms T297A.
Identifiers: ClinVar variation 120179 (VCV000120179.52), dbSNP rs587777222, ClinGen allele CA210987.